The following is an entry in ClinVar:

NM_000393.5(COL5A2):c.*298G>A

Gene: COL5A2 (collagen type V alpha 2 chain; minus strand). Cytogenetic location: 2q32.2.
Variant type: single nucleotide variant.
Coding change: c.*298G>A on transcript NM_000393.5 (MANE Select); 298 bases downstream of the stop codon, G replaced by A.
Molecular consequence: 3 prime UTR variant.
Genome position (GRCh38, 1-based): chr2:189,033,772, C>T on the plus strand (G>A on the coding strand, the complement: COL5A2 is on the minus strand). VCF-style: chr2-189033772-C-T. GRCh37 (hg19) VCF-style: chr2-189898498-C-T.
Identifiers: ClinVar variation 333126 (VCV000333126.8), dbSNP rs7586, ClinGen allele CA10613490.
Genomic context (GRCh38, chr2:189,033,772, plus strand): 5'-AAGAATTTCCTCATAAATACTAAGCAACTTTTTCATTACACTGAAATAAATTGAAGAAAA[C>T]GGAGATTTATTTATTCAATCAGTTTACTTTCTGCAAAGGTGGTCATTGTCATTGGTCATC-3'

ClinVar aggregate classification (germline): Benign/Likely benign. Review status: criteria provided, multiple submitters, no conflicts (2 of 4 stars). 3 submissions from 3 submitters: Benign (2); Likely benign (1). Last evaluated 2018-06-14.

Conditions:
Ehlers-Danlos syndrome, classic type, 2 (EDSCL2). Also called: Ehlers-Danlos syndrome, type 2; Ehlers-Danlos syndrome type 2 (formerly); Ehlers-Danlos Syndrome, Classic Type, COL5A2-Related. Identifiers: Orphanet 287, Orphanet 90318, MedGen C0268336, MONDO:0019568, OMIM 130010.

Allele frequency attached by ClinVar (database versions not stated): gnomAD 0.06866 and 0.07221; gnomAD exomes 0.04154; 1000 Genomes Project 30x 0.06137; TOPMed 0.07214; 1000 Genomes Project 0.06010.
gnomAD v4.1: 20,688 of 396,392 alleles (5.2%); highest among the groups gnomAD compares: African/African-American, 14%; 781 homozygotes.

Submissions (3):

GeneDx
Classification: Benign. Last evaluated: 2018-06-14. Review status: criteria provided, single submitter. Criteria: GeneDx Variant Classification Process June 2021. Collection method: clinical testing. Allele origin: germline. Affected: yes.

Illumina Laboratory Services, Illumina
Classification: Benign for Ehlers-Danlos syndrome, classic type, 2. Last evaluated: 2018-01-12. Review status: criteria provided, single submitter. Criteria: ICSL Variant Classification Criteria 13 December 2019. Collection method: clinical testing. Allele origin: germline.
Comment: This variant was observed in the ICSL laboratory as part of a predisposition screen in an ostensibly healthy population. It had not been previously curated by ICSL or reported in the Human Gene Mutation Database (HGMD: prior to June 1st, 2018), and was therefore a candidate for classification through an automated scoring system. Utilizing variant allele frequency, disease prevalence and penetrance estimates, and inheritance mode, an automated score was calculated to assess if this variant is too frequent to cause the disease. Based on the score and internal cut-off values, a variant classified as benign is not then subjected to further curation. The score for this variant resulted in a classification of benign for this disease.

Breakthrough Genomics
Classification: Likely benign. Review status: criteria provided, single submitter. Criteria: ACMG Guidelines, 2015. Collection method: not provided. Allele origin: germline. Inheritance: Autosomal dominant inheritance. Affected: yes.